The following is an entry in ClinVar:

ClinVar aggregate classification (germline): Uncertain significance (1 of 4 stars; one submission).

Conditions:
Congenital insensitivity to pain-hypohidrosis syndrome. Also called: HSAN VIII; Neuropathy, hereditary sensory and autonomic, type VIII. Identifiers: Orphanet 478664, MedGen C4225308, MONDO:0014662, OMIM 616488.

Allele frequency attached by ClinVar (database versions not stated): gnomAD exomes below 0.00001.
gnomAD v4.1: 3 of 1,591,852 alleles (0.00019%); highest among the groups gnomAD compares: Non-Finnish European, 0.00026%; no homozygotes.

Submission:

Labcorp Genetics (formerly Invitae), Labcorp
Classification: Uncertain significance for Congenital insensitivity to pain-hypohidrosis syndrome. Last evaluated: 2020-12-10. Review status: criteria provided, single submitter. Criteria: Invitae Variant Classification Sherloc (09022015). Collection method: clinical testing. Allele origin: germline.
Comment: In summary, the available evidence is currently insufficient to determine the role of this variant in disease. Therefore, it has been classified as a Variant of Uncertain Significance. This sequence change replaces glycine with valine at codon 3 of the PRDM12 protein (p.Gly3Val). The glycine residue is highly conserved and there is a moderate physicochemical difference between glycine and valine. This variant is not present in population databases (ExAC no frequency). This variant has not been reported in the literature in individuals with PRDM12-related conditions. Algorithms developed to predict the effect of missense changes on protein structure and function are either unavailable or do not agree on the potential impact of this missense change (SIFT: "Deleterious"; PolyPhen-2: "Probably Damaging"; Align-GVGD: "Class C0").

NM_021619.3(PRDM12):c.8G>T (p.Gly3Val)

Gene: PRDM12 (PR/SET domain 12; plus strand). Cytogenetic location: 9q34.12.
Variant type: single nucleotide variant.
Coding change: c.8G>T on transcript NM_021619.3 (MANE Select); coding-DNA position 8, G replaced by T.
Protein change: p.Gly3Val; replaces glycine 3 with valine.
Molecular consequence: missense variant.
Genome position (GRCh38, 1-based): chr9:130,664,661, G>T. VCF-style: chr9-130664661-G-T. GRCh37 (hg19) VCF-style: chr9-133540048-G-T.
Other names: short protein forms G3V.
Identifiers: ClinVar variation 1437908 (VCV001437908.8), dbSNP rs2132586397, ClinGen allele CA375245391.